The following is an entry in ClinVar:

ClinVar aggregate classification (germline): Conflicting classifications of pathogenicity. Review status: criteria provided, conflicting classifications (1 of 4 stars). 5 submissions from 5 submitters: Uncertain significance (2); Likely benign (2). 1 of the submissions does not count toward it. Last evaluated 2026-01-17.

Conditions:
Autosomal recessive congenital ichthyosis 1 (LI1). Also called: COLLODION FETUS; ICHTHYOSIS, CONGENITAL, AUTOSOMAL RECESSIVE 1, WITH BATHING SUIT DISTRIBUTION; DESQUAMATION OF NEWBORN; ICHTHYOSIS CONGENITA; ICHTHYOSIS CONGENITA II; LAMELLAR EXFOLIATION OF NEWBORN. Identifiers: MedGen C4551630, MONDO:0009441, OMIM 242300.

Allele frequency attached by ClinVar (database versions not stated): gnomAD 0.00006 and 0.00020; TOPMed 0.00009; ESP Exome Variant Server 0.00015; 1000 Genomes Project 30x 0.00062; gnomAD exomes 0.00072; 1000 Genomes Project 0.00080; ExAC 0.00084.
gnomAD v4.1: 606 of 1,614,088 alleles (0.038%); highest among the groups gnomAD compares: South Asian, 0.52%; 4 homozygotes.

Submissions (5):

Labcorp Genetics (formerly Invitae), Labcorp
Classification: Likely benign. Last evaluated: 2026-01-17. Review status: criteria provided, single submitter. Criteria: Invitae Variant Classification Sherloc (09022015). Collection method: clinical testing. Allele origin: germline.

GeneDx
Classification: Uncertain significance. Last evaluated: 2023-03-24. Review status: criteria provided, single submitter. Criteria: GeneDx Variant Classification Process June 2021. Collection method: clinical testing. Allele origin: germline. Affected: yes.
Comment: Observed with another TGM1 variant in a patient with ARCI in the published literature, but it is not known whether the variants occurred on the same (in cis) or on different (in trans) chromosomes (Numata et al., 2015); Published functional studies suggest a damaging effect: formation of perinuclear aggregates and decreased localization to membranes (Numata et al., 2016); In silico analysis supports that this missense variant has a deleterious effect on protein structure/function; This variant is associated with the following publications: (PMID: 34426522, 33138774, 26990434, 25766764)

Women's Health and Genetics/Laboratory Corporation of America, LabCorp
Classification: Likely benign. Last evaluated: 2022-05-31. Review status: criteria provided, single submitter. Criteria: LabCorp Variant Classification Summary - May 2015. Collection method: clinical testing. Allele origin: germline.
Comment: Variant summary: TGM1 c.550C>T (p.Pro184Ser) results in a non-conservative amino acid change in the encoded protein sequence. Four of five in-silico tools predict a damaging effect of the variant on protein function. The variant allele was found at a frequency of 0.00072 in 251354 control chromosomes, predominantly at a frequency of 0.0054 within the South Asian subpopulation in the gnomAD database, including 1 homozygote. The observed variant frequency within South Asian control individuals in the gnomAD database is approximately 2.6 fold of the estimated maximal expected allele frequency for a pathogenic variant in TGM1 causing Lamellar Ichthyosis phenotype (0.0021), strongly suggesting that the variant is a benign polymorphism found primarily in populations of South Asian origin. c.550C>T has been reported in the literature in at-least one individual affected with congenital ichthyosiform erythroderma (CIE) (example, Numata_2015). These report(s) do not provide unequivocal conclusions about association of the variant with Lamellar Ichthyosis. At least one publication reports experimental evidence evaluating an impact on protein function, however, does not allow convincing conclusions about the variant effect (Numata_2016). Three clinical diagnostic laboratories have submitted clinical-significance assessments for this variant to ClinVar after 2014 without evidence for independent evaluation (likely benign, n=2; VUS, n=1). Based on the evidence outlined above, the variant was classified as likely benign.

Illumina Laboratory Services, Illumina
Classification: Uncertain significance for Autosomal recessive congenital ichthyosis 1. Last evaluated: 2017-04-28. Review status: criteria provided, single submitter. Criteria: ICSL Variant Classification Criteria 13 December 2019. Collection method: clinical testing. Allele origin: germline.
Comment: This variant was observed as part of a predisposition screen in an ostensibly healthy population. A literature search was performed for the gene, cDNA change, and amino acid change (where applicable). Publications were found based on this search. However, the evidence from the literature, in combination with allele frequency data from public databases where available, was not sufficient to rule this variant in or out of causing disease. Therefore, this variant is classified as a variant of unknown significance.

Natera, Inc.
Classification: Benign for Autosomal recessive congenital ichthyosis type 1. Last evaluated: 2019-11-13. Review status: no assertion criteria provided. Collection method: clinical testing. Allele origin: germline. Not counted in ClinVar's aggregate classification.

Literature cited by the submitters: PubMed 26990434 (cited by Women's Health and Genetics/Laboratory Corporation of America, LabCorp and Illumina Laboratory Services, Illumina); PubMed 25766764 (cited by Women's Health and Genetics/Laboratory Corporation of America, LabCorp and Illumina Laboratory Services, Illumina).

NM_000359.3(TGM1):c.550C>T (p.Pro184Ser)

Gene: TGM1 (transglutaminase 1; minus strand). Cytogenetic location: 14q12.
Variant type: single nucleotide variant.
Coding change: c.550C>T on transcript NM_000359.3 (MANE Select); coding-DNA position 550, C replaced by T.
Protein change: p.Pro184Ser; replaces proline 184 with serine.
Molecular consequence: missense variant.
Genome position (GRCh38, 1-based): chr14:24,260,657, G>A on the plus strand (C>T on the coding strand, the complement: TGM1 is on the minus strand). VCF-style: chr14-24260657-G-A. GRCh37 (hg19) VCF-style: chr14-24729863-G-A.
Other names: short protein forms P184S.
Identifiers: ClinVar variation 743864 (VCV000743864.20), dbSNP rs200517023, ClinGen allele CA7131364.